The following is an entry in ClinVar:

ClinVar aggregate classification (germline): Pathogenic/Likely pathogenic. Review status: criteria provided, multiple submitters, no conflicts (2 of 4 stars). 5 submissions from 5 submitters: Pathogenic (3); Likely pathogenic (2). Last evaluated 2024-10-10.

Conditions:
Congenital microcephaly - severe encephalopathy - progressive cerebral atrophy syndrome. Also called: Asparagine synthetase deficiency; ASNS DEFICIENCY. Identifiers: Orphanet 391376, MedGen C3809971, MONDO:0014258, OMIM 615574.

Submissions (5):

GeneDx
Classification: Pathogenic. Last evaluated: 2024-10-10. Review status: criteria provided, single submitter. Criteria: GeneDx Variant Classification Process June 2021. Collection method: clinical testing. Allele origin: germline. Affected: yes.
Comment: Reported previously in a patient with developmental delay, microcephaly, epileptic seizures, congenital visual impairment, and progressive intracerebral cyst who also harbored a second variant on the opposite allele (in trans) and variant in a separate gene (PMID: 30844524); Frameshift variant predicted to result in protein truncation or nonsense mediated decay in a gene for which loss of function is a known mechanism of disease; Not observed at significant frequency in large population cohorts (gnomAD); This variant is associated with the following publications: (PMID: 37961642, 32481472, 30844524)

Natera, Inc.
Classification: Likely pathogenic for Asparagine synthetase deficiency. Last evaluated: 2024-05-13. Review status: criteria provided, single submitter. Criteria: Natera Variant Classification Schema (03/2026). Collection method: clinical testing. Allele origin: germline.
Comment: The c.666_667delCT variant in ASNS is a frameshift variant predicted to shift the reading frame beginning at codon 223 and leads to a stop codon 4 codons downstream. This variant is expected to result in nonsense mediated decay, truncation, or a dysfunctional protein product. This variant is rare in the general population with a frequency below the threshold expected for the associated phenotype(s). Given the available evidence, this variant is classified as Likely Pathogenic.

Fulgent Genetics
Classification: Pathogenic for Congenital microcephaly - severe encephalopathy - progressive cerebral atrophy syndrome. Last evaluated: 2024-03-14. Review status: criteria provided, single submitter. Criteria: ACMG Guidelines, 2015. Collection method: clinical testing. Allele origin: germline.

Labcorp Genetics (formerly Invitae), Labcorp
Classification: Pathogenic. Last evaluated: 2024-03-05. Review status: criteria provided, single submitter. Criteria: Invitae Variant Classification Sherloc (09022015). Collection method: clinical testing. Allele origin: germline.
Comment: This sequence change creates a premature translational stop signal (p.Phe223Serfs*4) in the ASNS gene. It is expected to result in an absent or disrupted protein product. Loss-of-function variants in ASNS are known to be pathogenic (PMID: 27422383, 30057589). This variant is present in population databases (rs750420071, gnomAD 0.01%). This premature translational stop signal has been observed in individual(s) with clinical features of ASNS-related conditions (PMID: 30844524). ClinVar contains an entry for this variant (Variation ID: 984946). For these reasons, this variant has been classified as Pathogenic.

Rady Children's Institute for Genomic Medicine, Rady Children's Hospital San Diego
Classification: Likely pathogenic for ASPARAGINE SYNTHETASE DEFICIENCY. Last evaluated: 2020-02-19. Review status: criteria provided, single submitter. Criteria: ACMG Guidelines, 2015. Collection method: clinical testing. Allele origin: germline. Affected: yes.
Comment: This frameshifting variant in exon 6 of 14 introduces a premature stop codon and is therefore predicted to result in loss of normal protein function. This variant has not been previously reported or functionally characterized in the literature to our knowledge. It is present in the heterozygous state in the gnomAD population database at a frequency of 0.00072% (2/277124) and thus is presumed to be rare. Based on the available evidence, the c.666_667del (p.Phe223SerfsTer4) variant is classified as Likely Pathogenic30234940).

Literature cited by the submitters: PubMed 27422383 (cited by Labcorp Genetics (formerly Invitae), Labcorp); PubMed 30057589 (cited by Labcorp Genetics (formerly Invitae), Labcorp); PubMed 30844524 (cited by Labcorp Genetics (formerly Invitae), Labcorp).

NM_001673.5(ASNS):c.666_667del (p.Phe223fs)

Genes: CZ1P-ASNS (CZ1P-ASNS readthrough; minus strand), ASNS (asparagine synthetase (glutamine-hydrolyzing); minus strand). Cytogenetic location: 7q21.3.
Variant type: Microsatellite.
Coding change: c.666_667del on transcript NM_001673.5 (MANE Select); coding-DNA positions 666 to 667, 2 bases deleted (CT; older notation c.666_667delCT).
Protein change: p.Phe223fs; shifts the reading frame from phenylalanine 223.
Molecular consequence: frameshift variant. On other transcripts: non-coding transcript variant (1).
Genome position (GRCh38, 1-based): chr7:97,859,219-97,859,220, AG deleted on the plus strand (CT on the coding strand, the reverse complement: ASNS is on the minus strand); deleting any 2 consecutive bases within chr7:97,859,219-97,859,222 gives the same sequence; the c. name uses the placement nearest the transcript's 3' end. VCF-style (leftmost placement, unchanged base first): chr7-97859218-AAG-A. GRCh37 (hg19) VCF-style: chr7-97488530-AAG-A.
Other names: c.603_604del, p.Phe202fs (NM_001178075.2); c.417_418del, p.Phe140fs (NM_001178076.2, NM_001178077.1); c.666_667delCT (NM_133436.3); c.666_667del, p.Phe223fs (NM_001352496.2, NM_133436.3, NM_183356.4); short protein forms F140fs, F202fs, F223fs.
Identifiers: ClinVar variation 984946 (VCV000984946.7), dbSNP rs750420071, ClinGen allele CA4354729.